The following is an entry in ClinVar:

NM_001267550.2(TTN):c.23660-13CTT[2]

Gene: TTN (titin; minus strand). Cytogenetic location: 2q31.2.
Variant type: Microsatellite.
Coding change: c.23660-13CTT[2] on transcript NM_001267550.2 (MANE Select); two copies in a row of the 3-base unit CTT starting at c.23660-13; the reference has three copies in a row; one copy, 3 bases deleted.
Molecular consequence: intron variant.
Genome position (GRCh38, 1-based): chr2:178,719,837-178,719,839, AAG deleted on the plus strand (CTT on the coding strand, the reverse complement: TTN is on the minus strand); deleting any 3 consecutive bases within chr2:178,719,837-178,719,845 gives the same sequence; the position shown is the placement nearest the transcript's 3' end. VCF-style (leftmost placement, unchanged base first): chr2-178719836-AAAG-A. GRCh37 (hg19) VCF-style: chr2-179584563-AAAG-A.
Other names: c.23660-7_23660-5delCTT (NM_001267550.2); c.22709-7_22709-5delCTT (NM_001256850.1); c.13282+18237CTT[2] (NM_003319.4); c.13858+18237CTT[2] (NM_133437.4); c.13657+18237CTT[2] (NM_133432.3); c.19928-13CTT[2] (NM_133378.4); c.22709-13CTT[2] (NM_001256850.1); c.23660-7_23660-5del (NM_001267550.2).
Identifiers: ClinVar variation 202546 (VCV000202546.10), dbSNP rs563250569, ClinGen allele CA309550.

ClinVar aggregate classification (germline): Conflicting classifications of pathogenicity. Review status: criteria provided, conflicting classifications (1 of 4 stars). 5 submissions from 5 submitters: Uncertain significance (4); Likely benign (1). Last evaluated 2026-03-11.

Conditions:
TTN-related disorder. Also called: TTN-related condition; TTN-related disease; TTN-related disorders.
Dilated cardiomyopathy 1G (CMD1G). Identifiers: Orphanet 154, MedGen C1858763, MONDO:0011400, OMIM 604145.
Autosomal recessive limb-girdle muscular dystrophy type 2J (LGMDR10). Also called: Limb-girdle muscular dystrophy, type 2J; MUSCULAR DYSTROPHY, LIMB-GIRDLE, AUTOSOMAL RECESSIVE 10. Identifiers: Orphanet 140922, MedGen C1837342, MONDO:0012127, OMIM 608807.
Early-onset myopathy with fatal cardiomyopathy (CMYO5). Also called: Salih Myopathy; CONGENITAL MYOPATHY 5 WITH CARDIOMYOPATHY. Identifiers: Orphanet 289377, MedGen C2673677, MONDO:0012714, OMIM 611705. Disease mechanism: loss of function.
Tibial muscular dystrophy (TMD). Also called: Tibial muscular dystrophy, tardive; Udd Distal Myopathy – Tibial Muscular Dystrophy; UDD MYOPATHY. Identifiers: Orphanet 609, MedGen C1838244, MONDO:0010870, OMIM 600334.
Myopathy, myofibrillar, 9, with early respiratory failure (MFM9). Also called: Myopathy, distal, with early respiratory failure, autosomal dominant; MYOPATHY, PROXIMAL, WITH EARLY RESPIRATORY MUSCLE INVOLVEMENT; Hereditary myopathy with early respiratory failure; EDSTROM MYOPATHY. Identifiers: Orphanet 178464, Orphanet 34521, MedGen C1863599, MONDO:0011362, OMIM 603689.
Hypertrophic cardiomyopathy 9. Also called: Familial hypertrophic cardiomyopathy 9. Identifiers: MedGen C1861065, MONDO:0013412, OMIM 613765.

Submissions (5):

PreventionGenetics, part of Exact Sciences
Classification: Likely benign for TTN-related condition. Last evaluated: 2026-03-11. Review status: criteria provided, single submitter. Criteria: ACMG Guidelines, 2015. Collection method: clinical testing. Allele origin: germline.
Comment: This variant is classified as likely benign based on ACMG/AMP sequence variant interpretation guidelines (Richards et al. 2015 PMID: 25741868, with internal and published modifications).

Fulgent Genetics
Classification: Uncertain significance for Tibial muscular dystrophy; Myopathy, myofibrillar, 9, with early respiratory failure; Dilated cardiomyopathy 1G; Autosomal recessive limb-girdle muscular dystrophy type 2J; Early-onset myopathy with fatal cardiomyopathy; Hypertrophic cardiomyopathy 9. Last evaluated: 2021-11-03. Review status: criteria provided, single submitter. Criteria: ACMG Guidelines, 2015. Collection method: clinical testing. Allele origin: unknown.

GeneDx
Classification: Uncertain significance. Last evaluated: 2018-02-28. Review status: criteria provided, single submitter. Criteria: GeneDx Variant Classification (06012015). Collection method: clinical testing. Allele origin: germline. Affected: yes.
Comment: The c.22709-7_22709-5delCTT variant hasnot been published as a pathogenic variant, nor has it been reported as a benign variant to our knowledge. Thisvariant results in the deletion of one of three CTT repeats in intron 79 and in silico splice prediction programs predicta significant reduction in the efficiency of the natural splice acceptor site. However, the NHLBI Exome SequencingProject reports that the c.22709-7_22709-5delCTT was observed 3/7,848 alleles from individuals of Europeanancestry, including one homozygous individual. Furthermore, truncating variants in the TTN gene have been reportedin approximately 3% of reported control alleles and this variant is not located in the A-band region of titin, where themajority of variants associated with DCM have been reported (Herman et al., 2012).Therefore, based on the currently available information, it is unclear whether this variant is pathogenic or rare benign.

Labcorp Genetics (formerly Invitae), Labcorp
Classification: Uncertain significance for Dilated cardiomyopathy 1G; Autosomal recessive limb-girdle muscular dystrophy type 2J. Last evaluated: 2016-10-18. Review status: criteria provided, single submitter. Criteria: Invitae Variant Classification Sherloc (09022015). Collection method: clinical testing. Allele origin: germline.

Eurofins Ntd Llc (ga)
Classification: Uncertain significance. Last evaluated: 2016-07-14. Review status: criteria provided, single submitter. Criteria: EGL Classification Definitions 2015. Collection method: clinical testing. Allele origin: germline. Observed: 3 variant alleles.